The following is an entry in ClinVar:

ClinVar aggregate classification (germline): Uncertain significance. Review status: criteria provided, multiple submitters, no conflicts (2 of 4 stars). 2 submissions from 2 submitters: Uncertain significance (2). Last evaluated 2025-03-05.

Conditions:
Compton-North congenital myopathy (CMYO12). Identifiers: Orphanet 210163, MedGen C2675527, MONDO:0012929, OMIM 612540.
Inborn genetic diseases. Identifiers: MedGen C0950123, MeSH D030342.

Allele frequency attached by ClinVar (database versions not stated): gnomAD 0.00001 and 0.00002; TOPMed 0.00008.
gnomAD v4.1: 14 of 1,612,674 alleles (0.00087%); highest among the groups gnomAD compares: Admixed American, 0.0067%; no homozygotes.

Submissions (2):

Ambry Genetics
Classification: Uncertain significance for Inborn genetic diseases. Last evaluated: 2025-03-05. Review status: criteria provided, single submitter. Criteria: Ambry Variant Classification Scheme 2023. Collection method: clinical testing. Allele origin: germline.

Labcorp Genetics (formerly Invitae), Labcorp
Classification: Uncertain significance for Compton-North congenital myopathy. Last evaluated: 2023-12-06. Review status: criteria provided, single submitter. Criteria: Invitae Variant Classification Sherloc (09022015). Collection method: clinical testing. Allele origin: germline.
Comment: This sequence change replaces valine, which is neutral and non-polar, with leucine, which is neutral and non-polar, at codon 189 of the CNTN1 protein (p.Val189Leu). This variant is present in population databases (rs763318952, gnomAD 0.009%). This variant has not been reported in the literature in individuals affected with CNTN1-related conditions. ClinVar contains an entry for this variant (Variation ID: 847439). Advanced modeling of protein sequence and biophysical properties (such as structural, functional, and spatial information, amino acid conservation, physicochemical variation, residue mobility, and thermodynamic stability) performed at Invitae indicates that this missense variant is not expected to disrupt CNTN1 protein function with a negative predictive value of 95%. In summary, the available evidence is currently insufficient to determine the role of this variant in disease. Therefore, it has been classified as a Variant of Uncertain Significance.

NM_001843.4(CNTN1):c.565G>C (p.Val189Leu)

Gene: CNTN1 (contactin 1; plus strand). Cytogenetic location: 12q12.
Variant type: single nucleotide variant.
Coding change: c.565G>C on transcript NM_001843.4 (MANE Select); coding-DNA position 565, G replaced by C.
Protein change: p.Val189Leu; replaces valine 189 with leucine.
Molecular consequence: missense variant.
Genome position (GRCh38, 1-based): chr12:40,929,864, G>C. VCF-style: chr12-40929864-G-C. GRCh37 (hg19) VCF-style: chr12-41323666-G-C.
Other names: c.565G>C (NM_001843.2); c.565G>C, p.Val189Leu (NM_001256063.2, NM_001256064.2); c.532G>C, p.Val178Leu (NM_175038.2); short protein forms V189L, V178L.
Identifiers: ClinVar variation 847439 (VCV000847439.7), dbSNP rs763318952, ClinGen allele CA6516649.